The following is an entry in ClinVar:

NM_000554.6(CRX):c.*3285C>G

Gene: CRX (cone-rod homeobox; plus strand). Cytogenetic location: 19q13.33.
Variant type: single nucleotide variant.
Coding change: c.*3285C>G on transcript NM_000554.6 (MANE Select); 3285 bases downstream of the stop codon, C replaced by G.
Molecular consequence: 3 prime UTR variant.
Genome position (GRCh38, 1-based): chr19:47,843,252, C>G. VCF-style: chr19-47843252-C-G. GRCh37 (hg19) VCF-style: chr19-48346509-C-G.
Identifiers: ClinVar variation 329782 (VCV000329782.6), dbSNP rs62128811, ClinGen allele CA10648933.

ClinVar aggregate classification (germline): Benign. Review status: criteria provided, multiple submitters, no conflicts (2 of 4 stars). 4 submissions from 2 submitters: Benign (4). Last evaluated 2018-01-13.

Conditions:
Cone-rod dystrophy 2 (CORD2). Also called: CONE-ROD RETINAL DYSTROPHY; Cone-rod retinal dystrophy 2. Identifiers: Orphanet 1872, MedGen C3489532, MONDO:0007362, OMIM 120970.
Leber congenital amaurosis 7 (LCA7). Identifiers: Orphanet 65, MedGen C3151192, MONDO:0013449, OMIM 613829.
Retinitis pigmentosa (RP). Identifiers: Orphanet 791, MedGen C0035334, MeSH D012174, MONDO:0019200, OMIM 268000. Inheritance: Autosomal dominant, autosomal recessive and X linked inheritance.

Allele frequency attached by ClinVar (database versions not stated): 1000 Genomes Project 30x 0.06964; 1000 Genomes Project 0.06969; TOPMed 0.11101; gnomAD 0.12171 and 0.12172; gnomAD exomes 0.21569.
gnomAD v4.1: 18,601 of 152,278 alleles (12%); highest among the groups gnomAD compares: Non-Finnish European, 18%; 1,523 homozygotes.

Submissions (4):

Illumina Laboratory Services, Illumina
Classification: Benign for Leber congenital amaurosis 7. Last evaluated: 2018-01-13. Review status: criteria provided, single submitter. Criteria: ICSL Variant Classification Criteria 13 December 2019. Collection method: clinical testing. Allele origin: germline.
Comment: This variant was observed in the ICSL laboratory as part of a predisposition screen in an ostensibly healthy population. It had not been previously curated by ICSL or reported in the Human Gene Mutation Database (HGMD: prior to June 1st, 2018), and was therefore a candidate for classification through an automated scoring system. Utilizing variant allele frequency, disease prevalence and penetrance estimates, and inheritance mode, an automated score was calculated to assess if this variant is too frequent to cause the disease. Based on the score and internal cut-off values, a variant classified as benign is not then subjected to further curation. The score for this variant resulted in a classification of benign for this disease.

Illumina Laboratory Services, Illumina
Classification: Benign for Retinitis pigmentosa. Last evaluated: 2018-01-13. Review status: criteria provided, single submitter. Criteria: ICSL Variant Classification Criteria 13 December 2019. Collection method: clinical testing. Allele origin: germline.
Comment: the same text as in the submission from Illumina Laboratory Services, Illumina above.

Illumina Laboratory Services, Illumina
Classification: Benign for Cone-rod dystrophy 2. Last evaluated: 2018-01-13. Review status: criteria provided, single submitter. Criteria: ICSL Variant Classification Criteria 13 December 2019. Collection method: clinical testing. Allele origin: germline.
Comment: the same text as in the submission from Illumina Laboratory Services, Illumina above.

Breakthrough Genomics
Classification: Benign. Review status: criteria provided, single submitter. Criteria: ACMG Guidelines, 2015. Collection method: not provided. Allele origin: germline. Inheritance: Autosomal dominant inheritance. Affected: yes.